The following is an entry in ClinVar:

ClinVar aggregate classification (germline): Uncertain significance. Review status: criteria provided, multiple submitters, no conflicts (2 of 4 stars). 2 submissions from 2 submitters: Uncertain significance (2). Last evaluated 2025-03-19.

Conditions:
Epidermolysis bullosa simplex 3, localized or generalized intermediate, with BP230 deficiency (EBS3). Also called: Epidermolysis bullosa simplex due to BP230 deficiency; Epidermolysis bullosa simplex, autosomal recessive 2. Identifiers: Orphanet 412181, MedGen C3809470, MONDO:0014180, OMIM 615425.
Hereditary sensory and autonomic neuropathy type 6. Also called: Neuropathy, hereditary sensory and autonomic, type VI; HSAN VI. Identifiers: Orphanet 314381, MedGen C3539003, MONDO:0013839, OMIM 614653.

Allele frequency attached by ClinVar (database versions not stated): TOPMed below 0.00001; gnomAD 0.00001; gnomAD exomes 0.00001.
gnomAD v4.1: 18 of 1,614,046 alleles (0.0011%); highest among the groups gnomAD compares: Non-Finnish European, 0.0014%; no homozygotes.

Submissions (2):

Women's Health and Genetics/Laboratory Corporation of America, LabCorp
Classification: Uncertain significance. Last evaluated: 2025-03-19. Review status: criteria provided, single submitter. Criteria: LabCorp Variant Classification Summary - May 2015. Collection method: clinical testing. Allele origin: germline.
Comment: Variant summary: DST c.5796G>T (p.Gln1932His) results in a non-conservative amino acid change in the encoded protein sequence. Three of five in-silico tools predict a benign effect of the variant on protein function. The variant allele was found at a frequency of 8e-06 in 251276 control chromosomes. The available data on variant occurrences in the general population are insufficient to allow any conclusion about variant significance. To our knowledge, no occurrence of c.5796G>T in individuals affected with Epidermolysis bullosa simplex 3, localized or generalized intermediate, with BP230 deficiency and no experimental evidence demonstrating its impact on protein function have been reported. ClinVar contains an entry for this variant (Variation ID: 1500139). Based on the evidence outlined above, the variant was classified as uncertain significance.

Labcorp Genetics (formerly Invitae), Labcorp
Classification: Uncertain significance for Epidermolysis bullosa simplex 3, localized or generalized intermediate, with BP230 deficiency; Hereditary sensory and autonomic neuropathy type 6. Last evaluated: 2022-04-15. Review status: criteria provided, single submitter. Criteria: Invitae Variant Classification Sherloc (09022015). Collection method: clinical testing. Allele origin: germline.
Comment: This sequence change replaces glutamine, which is neutral and polar, with histidine, which is basic and polar, at codon 1932 of the DST protein (p.Gln1932His). This variant is present in population databases (rs781560598, gnomAD 0.004%). This variant has not been reported in the literature in individuals affected with DST-related conditions. Algorithms developed to predict the effect of missense changes on protein structure and function are either unavailable or do not agree on the potential impact of this missense change (SIFT: "Deleterious"; PolyPhen-2: "Benign"; Align-GVGD: "Class C0"). In summary, the available evidence is currently insufficient to determine the role of this variant in disease. Therefore, it has been classified as a Variant of Uncertain Significance.

NM_001723.7(DST):c.5796G>T (p.Gln1932His)

Gene: DST (dystonin; minus strand). Cytogenetic location: 6p12.1.
Variant type: single nucleotide variant.
Coding change: c.5796G>T on transcript NM_001723.7 (MANE Plus Clinical); coding-DNA position 5796, G replaced by T.
Protein change: p.Gln1932His; replaces glutamine 1932 with histidine.
Molecular consequence: missense variant. On other transcripts: intron variant (10).
Genome position (GRCh38, 1-based): chr6:56,618,238, C>A on the plus strand (G>T on the coding strand, the complement: DST is on the minus strand). VCF-style: chr6-56618238-C-A. GRCh37 (hg19) VCF-style: chr6-56483036-C-A.
Other names: c.4831-3754G>T (NM_001144769.5); c.4930-3754G>T (NM_001374722.1, NM_001374736.1); c.4957-3754G>T (NM_001374734.1); c.4417-3754G>T (NM_001144770.2); c.4297-3754G>T (NM_001374730.1, NM_001386100.1, NM_183380.4 and 1 more transcripts); c.3319-3754G>T (NM_015548.5); short protein forms Q1932H.
Identifiers: ClinVar variation 1500139 (VCV001500139.6), dbSNP rs781560598, ClinGen allele CA3870304.